The following is an entry in ClinVar:

NM_001848.3(COL6A1):c.1056+3A>C

Gene: COL6A1 (collagen type VI alpha 1 chain; plus strand). Cytogenetic location: 21q22.3.
Variant type: single nucleotide variant.
Coding change: c.1056+3A>C on transcript NM_001848.3 (MANE Select); 3 bases into the intron after coding-DNA position 1056, A replaced by C.
Molecular consequence: intron variant.
Genome position (GRCh38, 1-based): chr21:45,990,829, A>C. VCF-style: chr21-45990829-A-C. GRCh37 (hg19) VCF-style: chr21-47410743-A-C.
Identifiers: ClinVar variation 954188 (VCV000954188.8), dbSNP rs2077772542, ClinGen allele CA1139666909.

ClinVar aggregate classification (germline): Pathogenic (1 of 4 stars; one submission).

Conditions:
Bethlem myopathy 1A. Also called: Bethlem Muscular Dystrophy; Bethlem myopathy 1; MYOPATHY, BENIGN CONGENITAL, WITH CONTRACTURES. Identifiers: Orphanet 610, MedGen CN029274, MONDO:0024530, OMIM 158810.

Submission:

Labcorp Genetics (formerly Invitae), Labcorp
Classification: Pathogenic for Bethlem myopathy 1A. Last evaluated: 2022-09-06. Review status: criteria provided, single submitter. Criteria: Invitae Variant Classification Sherloc (09022015). Collection method: clinical testing. Allele origin: germline.
Comment: Variants that disrupt the consensus splice site are a relatively common cause of aberrant splicing (PMID: 17576681, 9536098). Studies have shown that this variant results in skipping of exon 14, but is expected to preserve the integrity of the reading-frame (PMID: 28984114). ClinVar contains an entry for this variant (Variation ID: 954188). This variant has been observed in individual(s) with autosomal dominant COL6A1-related conditions (PMID: 28984114, 34167565). In at least one individual the variant was observed to be de novo. This variant is not present in population databases (gnomAD no frequency). This sequence change falls in intron 14 of the COL6A1 gene. It does not directly change the encoded amino acid sequence of the COL6A1 protein. RNA analysis indicates that this variant induces altered splicing and likely results in a shortened protein product. This variant disrupts the triple helix domain of COL6A1. Glycine residues within the Gly-Xaa-Yaa repeats of the triple helix domain are required for the structure and stability of fibrillar collagens (PMID: 7695699, 8218237, 19344236). In COL6A1, variants at these glycine residues are significantly enriched in individuals with autosomal dominant disease (PMID: 15689448, 24038877) compared to the general population (ExAC). For these reasons, this variant has been classified as Pathogenic.

Literature cited by the submitters: PubMed 17576681; PubMed 9536098; PubMed 28984114; PubMed 34167565; PubMed 7695699; PubMed 8218237; PubMed 19344236; PubMed 15689448; PubMed 24038877.